The following is an entry in ClinVar:

NM_000038.6(APC):c.4456G>A (p.Asp1486Asn)

Gene: APC (APC regulator of Wnt signaling pathway; plus strand). Cytogenetic location: 5q22.2.
Variant type: single nucleotide variant.
Coding change: c.4456G>A on transcript NM_000038.6 (MANE Select); coding-DNA position 4456, G replaced by A.
Protein change: p.Asp1486Asn; replaces aspartic acid 1486 with asparagine.
Molecular consequence: missense variant.
Genome position (GRCh38, 1-based): chr5:112,840,050, G>A. VCF-style: chr5-112840050-G-A. GRCh37 (hg19) VCF-style: chr5-112175747-G-A.
Other names: c.4456G>A, p.Asp1486Asn (NM_001354895.2, NM_001127510.3); c.4510G>A, p.Asp1504Asn (NM_001354896.2); c.4486G>A, p.Asp1496Asn (NM_001354897.2); c.4381G>A, p.Asp1461Asn (NM_001354898.2); c.4372G>A, p.Asp1458Asn (NM_001354899.2); c.4333G>A, p.Asp1445Asn (NM_001354900.2); c.4279G>A, p.Asp1427Asn (NM_001354901.2); c.4183G>A, p.Asp1395Asn (NM_001354902.2); and 5 more; short protein forms D1203N, D1326N, D1486N, D1504N, D1395N, D1445N, D1360N, D1427N.
Identifiers: ClinVar variation 1390408 (VCV001390408.8), dbSNP rs2149915196, ClinGen allele CA16031083.

ClinVar aggregate classification (germline): Uncertain significance. Review status: criteria provided, multiple submitters, no conflicts (2 of 4 stars). 2 submissions from 2 submitters: Uncertain significance (2). Last evaluated 2022-10-18.

Conditions:
Hereditary cancer-predisposing syndrome. Also called: Neoplastic Syndromes, Hereditary; Tumor predisposition; Hereditary neoplastic syndrome; Hereditary Cancer Syndrome. Identifiers: Orphanet 140162, MedGen C0027672, MeSH D009386, MONDO:0015356.
Familial adenomatous polyposis 1 (FAP1). Also called: FAMILIAL ADENOMATOUS POLYPOSIS 1, ATTENUATED; POLYPOSIS, ADENOMATOUS INTESTINAL. Identifiers: MedGen C2713442, MONDO:0021056, OMIM 175100. Disease mechanism: loss of function.

gnomAD v4.1: 1 of 1,614,066 alleles (0.000062%); highest among the groups gnomAD compares: Non-Finnish European, 0.000085%; no homozygotes.

Submissions (2):

Ambry Genetics
Classification: Uncertain significance for Hereditary cancer-predisposing syndrome. Last evaluated: 2022-10-18. Review status: criteria provided, single submitter. Criteria: Ambry Variant Classification Scheme 2023. Collection method: clinical testing. Allele origin: germline.
Comment: The p.D1486N variant (also known as c.4456G>A), located in coding exon 15 of the APC gene, results from a G to A substitution at nucleotide position 4456. The aspartic acid at codon 1486 is replaced by asparagine, an amino acid with highly similar properties. This amino acid position is highly conserved in available vertebrate species. In addition, in silico predictors for this gene do not accurately predict pathogenicity. Since supporting evidence is limited at this time, the clinical significance of this alteration remains unclear.

Labcorp Genetics (formerly Invitae), Labcorp
Classification: Uncertain significance for Familial adenomatous polyposis 1. Last evaluated: 2021-10-31. Review status: criteria provided, single submitter. Criteria: Invitae Variant Classification Sherloc (09022015). Collection method: clinical testing. Allele origin: germline.
Comment: In summary, the available evidence is currently insufficient to determine the role of this variant in disease. Therefore, it has been classified as a Variant of Uncertain Significance. Algorithms developed to predict the effect of missense changes on protein structure and function are either unavailable or do not agree on the potential impact of this missense change (SIFT: "Deleterious"; PolyPhen-2: "Probably Damaging"; Align-GVGD: "Class C15"). This variant has not been reported in the literature in individuals affected with APC-related conditions. This variant is not present in population databases (gnomAD no frequency). This sequence change replaces aspartic acid, which is acidic and polar, with asparagine, which is neutral and polar, at codon 1486 of the APC protein (p.Asp1486Asn).